The following is an entry in ClinVar:

ClinVar aggregate classification (germline): Likely benign (1 of 4 stars; one submission).

Allele frequency attached by ClinVar (database versions not stated): TOPMed 0.00001; ExAC 0.00002; gnomAD 0.00002; gnomAD exomes 0.00002.
gnomAD v4.1: 23 of 1,209,503 alleles (0.0019%); highest among the groups gnomAD compares: South Asian, 0.012%; 1 homozygote.

Submission:

CeGaT Center for Human Genetics Tuebingen
Classification: Likely benign. Last evaluated: 2022-06-01. Review status: criteria provided, single submitter. Criteria: CeGaT Center For Human Genetics Tuebingen Variant Classification Criteria Version 2. Collection method: clinical testing. Allele origin: germline. Affected: yes. Observed: 1 variant allele.
Comment: GPR174: BP4, BP7

NM_032553.3(GPR174):c.675A>G (p.Lys225=)

Gene: GPR174 (G protein-coupled receptor 174; plus strand). Cytogenetic location: Xq21.1.
Variant type: single nucleotide variant.
Coding change: c.675A>G on transcript NM_032553.3 (MANE Select); coding-DNA position 675, A replaced by G.
Protein change: p.Lys225=; no amino-acid change (lysine 225 retained).
Molecular consequence: synonymous variant.
Genome position (GRCh38, 1-based): chrX:79,171,682, A>G. VCF-style: chrX-79171682-A-G. GRCh37 (hg19) VCF-style: chrX-78427179-A-G.
Identifiers: ClinVar variation 2660975 (VCV002660975.24), dbSNP rs754637631, ClinGen allele CA10460896.
Genomic context (GRCh38, chrX:79,171,682, plus strand): 5'-CTGGAAGACGGTTTTATCACTGCAAGATAAATATCCCATGGCCCAAGATCTTGGAGAGAA[A>G]CAGAAAGCCTTGAAGATGATTCTAACCTGTGCAGGGGTATTCCTAATTTGCTTTGCACCT-3'
Protein context (NP_115942.1, residues 215-235): KYPMAQDLGE[Lys225=]QKALKMILTC